The following is an entry in ClinVar:

ClinVar aggregate classification (germline): Conflicting classifications of pathogenicity. Review status: criteria provided, conflicting classifications (1 of 4 stars). 2 submissions from 2 submitters: Uncertain significance (1); Benign (1). Last evaluated 2025-10-20.

Conditions:
Kabuki syndrome. Also called: NIIKAWA-KUROKI SYNDROME; Kabuki make-up syndrome. Identifiers: Orphanet 2322, MedGen C0796004, MONDO:0016512.
KMT2D-related disorder. Also called: KMT2D-Related Disorders.

gnomAD v4.1: 29 of 1,613,774 alleles (0.0018%); highest among the groups gnomAD compares: African/African-American, 0.0027%; no homozygotes.

Submissions (2):

Labcorp Genetics (formerly Invitae), Labcorp
Classification: Benign for Kabuki syndrome. Last evaluated: 2025-10-20. Review status: criteria provided, single submitter. Criteria: Invitae Variant Classification Sherloc (09022015). Collection method: clinical testing. Allele origin: germline.

PreventionGenetics, part of Exact Sciences
Classification: Uncertain significance for KMT2D-related condition. Last evaluated: 2023-01-11. Review status: criteria provided, single submitter. Criteria: ACMG Guidelines, 2015. Collection method: clinical testing. Allele origin: germline.
Comment: The KMT2D c.3710C>T variant is predicted to result in the amino acid substitution p.Ser1237Phe. A child with acute lymphoblastic leukemia was reported to have this germline variant (Table S1, de Smith et al. 2019. PubMed ID: 31102422). This variant is reported in 0.0065% of alleles in individuals of African descent in gnomAD. At this time, the clinical significance of this variant is uncertain due to the absence of conclusive functional and genetic evidence.

NM_003482.4(KMT2D):c.3710C>T (p.Ser1237Phe)

Genes: KMT2D (lysine methyltransferase 2D; minus strand), LOC126861520 (CDK7 strongly-dependent group 2 enhancer GRCh37_chr12:49442744-49443943; plus strand). Cytogenetic location: 12q13.12.
Variant type: single nucleotide variant.
Coding change: c.3710C>T on transcript NM_003482.4 (MANE Select); coding-DNA position 3710, C replaced by T.
Protein change: p.Ser1237Phe; replaces serine 1237 with phenylalanine.
Molecular consequence: missense variant.
Genome position (GRCh38, 1-based): chr12:49,049,878, G>A on the plus strand (C>T on the coding strand, the complement: KMT2D is on the minus strand). VCF-style: chr12-49049878-G-A. GRCh37 (hg19) VCF-style: chr12-49443661-G-A.
Other names: short protein forms S1237F.
Identifiers: ClinVar variation 2635863 (VCV002635863.2), dbSNP rs374437749, ClinGen allele CA384655673.